The following is an entry in ClinVar:

ClinVar aggregate classification (germline): Likely benign. Review status: criteria provided, multiple submitters, no conflicts (2 of 4 stars). 6 submissions from 6 submitters: Likely benign (6). Last evaluated 2026-01-27.

Conditions:
CACNA1C-related disorder. Also called: CACNA1C-related disorders; CACNA1C-related condition. Identifiers: MedGen CN381092, MONDO:0700321.
Cardiovascular phenotype. Identifiers: MedGen CN230736.
Long QT syndrome (LQTS). Identifiers: MedGen C0023976, MeSH D008133, MONDO:0002442. Disease mechanism: loss of function. Inheritance: Various modes of inheritance.

Allele frequency attached by ClinVar (database versions not stated): 1000 Genomes Project 30x 0.00062; gnomAD exomes 0.00003 and 0.00006; ExAC 0.00010; 1000 Genomes Project 0.00080; gnomAD 0.00017 and 0.00018; TOPMed 0.00015; ESP Exome Variant Server 0.00024.
gnomAD v4.1: 73 of 1,613,878 alleles (0.0045%); highest among the groups gnomAD compares: African/African-American, 0.053%; no homozygotes.

Submissions (6):

Labcorp Genetics (formerly Invitae), Labcorp
Classification: Likely benign for Long QT syndrome. Last evaluated: 2026-01-27. Review status: criteria provided, single submitter. Criteria: Invitae Variant Classification Sherloc (09022015). Collection method: clinical testing. Allele origin: germline.

PreventionGenetics, part of Exact Sciences
Classification: Likely benign for CACNA1C-related condition. Last evaluated: 2026-01-16. Review status: criteria provided, single submitter. Criteria: ACMG Guidelines, 2015. Collection method: clinical testing. Allele origin: germline.
Comment: This variant is classified as likely benign based on ACMG/AMP sequence variant interpretation guidelines (Richards et al. 2015 PMID: 25741868, with internal and published modifications).

ARUP Laboratories, Molecular Genetics and Genomics, ARUP Laboratories
Classification: Likely benign. Last evaluated: 2024-11-12. Review status: criteria provided, single submitter. Criteria: ARUP Molecular Germline Variant Investigation Process 2024. Collection method: clinical testing. Allele origin: germline.

Blueprint Genetics
Classification: Likely benign. Last evaluated: 2024-01-23. Review status: criteria provided, single submitter. Criteria: ACMG Guidelines, 2015. Collection method: clinical testing. Allele origin: germline.

GeneDx
Classification: Likely benign. Last evaluated: 2020-01-29. Review status: criteria provided, single submitter. Criteria: GeneDx Variant Classification Process June 2021. Collection method: clinical testing. Allele origin: germline. Affected: yes.

Ambry Genetics
Classification: Likely benign for Cardiovascular phenotype. Last evaluated: 2017-07-19. Review status: criteria provided, single submitter. Criteria: Ambry Variant Classification Scheme 2023. Collection method: clinical testing. Allele origin: germline.

NM_000719.7(CACNA1C):c.4122C>T (p.Tyr1374=)

Gene: CACNA1C (calcium voltage-gated channel subunit alpha1 C; plus strand). Cytogenetic location: 12p13.33.
Variant type: single nucleotide variant.
Coding change: c.4122C>T on transcript NM_000719.7 (MANE Select); coding-DNA position 4122, C replaced by T.
Protein change: p.Tyr1374=; no amino-acid change (tyrosine 1374 retained).
Molecular consequence: synonymous variant.
Genome position (GRCh38, 1-based): chr12:2,653,882, C>T. VCF-style: chr12-2653882-C-T. GRCh37 (hg19) VCF-style: chr12-2763048-C-T.
Other names: c.4266C>T, p.Tyr1422= (NM_001129827.2, NM_199460.4); c.4188C>T, p.Tyr1396= (NM_001129829.2); c.4122C>T, p.Tyr1374= (NM_001129830.3, NM_001129833.2, NM_001129834.2 and 7 more transcripts); c.4206C>T, p.Tyr1402= (NM_001129831.2); c.4182C>T, p.Tyr1394= (NM_001129832.2); c.4173C>T, p.Tyr1391= (NM_001129836.2); c.4089C>T, p.Tyr1363= (NM_001129837.2, NM_001129838.2, NM_001129846.2 and 1 more transcripts); c.4083C>T, p.Tyr1361= (NM_001129839.2); and 1 more.
Identifiers: ClinVar variation 381370 (VCV000381370.22), dbSNP rs146868811, ClinGen allele CA6389474.